The following is an entry in ClinVar:

NM_017763.6(RNF43):c.1323T>A (p.Pro441=)

Gene: RNF43 (ring finger protein 43; minus strand). Cytogenetic location: 17q22.
Variant type: single nucleotide variant.
Coding change: c.1323T>A on transcript NM_017763.6 (MANE Select); coding-DNA position 1323, T replaced by A.
Protein change: p.Pro441=; no amino-acid change (proline 441 retained).
Molecular consequence: synonymous variant.
Genome position (GRCh38, 1-based): chr17:58,358,453, A>T on the plus strand (T>A on the coding strand, the complement: RNF43 is on the minus strand). VCF-style: chr17-58358453-A-T. GRCh37 (hg19) VCF-style: chr17-56435814-A-T.
Other names: c.1323T>A, p.Pro441= (NM_001305544.3, NM_001438820.1, NM_001438821.1 and 1 more transcripts); c.942T>A, p.Pro314= (NM_001305545.2, NM_001437987.1).
Identifiers: ClinVar variation 5042418 (VCV005042418.1).

ClinVar aggregate classification (germline): Benign (1 of 4 stars; one submission).

Conditions:
Sessile serrated polyposis cancer syndrome (SSPCS). Identifiers: Orphanet 157798, MedGen C4310714, MONDO:0014919, OMIM 617108.

gnomAD v4.1: 1 of 1,613,990 alleles (0.000062%); highest among the groups gnomAD compares: Non-Finnish European, 0.000085%; no homozygotes.

Submission:

Myriad Genetics, Inc.
Classification: Benign for Sessile serrated polyposis cancer syndrome. Last evaluated: 2026-07-01. Review status: criteria provided, single submitter. Criteria: Myriad Autosomal Dominant, Autosomal Recessive and X-Linked Classification Criteria (2023). Collection method: clinical testing. Allele origin: unknown.
Comment: This variant is considered benign. This variant is a silent/synonymous amino acid change and it is not expected to impact splicing.